The following is an entry in ClinVar:

ClinVar aggregate classification (germline): Uncertain significance (1 of 4 stars; one submission).

Allele frequency attached by ClinVar (database versions not stated): gnomAD 0.00001; TOPMed 0.00001; ExAC 0.00006; 1000 Genomes Project 0.00020; 1000 Genomes Project 30x 0.00031.
gnomAD v4.1: 24 of 1,583,824 alleles (0.0015%); highest among the groups gnomAD compares: Admixed American, 0.0054%; no homozygotes.

Submission:

Labcorp Genetics (formerly Invitae), Labcorp
Classification: Uncertain significance. Last evaluated: 2022-06-15. Review status: criteria provided, single submitter. Criteria: Invitae Variant Classification Sherloc (09022015). Collection method: clinical testing. Allele origin: germline.
Comment: The frequency data for this variant in the population databases is considered unreliable, as metrics indicate poor data quality at this position in the gnomAD database. This sequence change replaces arginine, which is basic and polar, with tryptophan, which is neutral and slightly polar, at codon 1429 of the MYO18B protein (p.Arg1429Trp). In summary, the available evidence is currently insufficient to determine the role of this variant in disease. Therefore, it has been classified as a Variant of Uncertain Significance. Algorithms developed to predict the effect of missense changes on protein structure and function are either unavailable or do not agree on the potential impact of this missense change (SIFT: "Not Available"; PolyPhen-2: "Probably Damaging"; Align-GVGD: "Not Available"). This variant has not been reported in the literature in individuals affected with MYO18B-related conditions.

NM_032608.7(MYO18B):c.4285C>T (p.Arg1429Trp)

Gene: MYO18B (myosin XVIIIB; plus strand). Cytogenetic location: 22q12.1.
Variant type: single nucleotide variant.
Coding change: c.4285C>T on transcript NM_032608.7 (MANE Select); coding-DNA position 4285, C replaced by T.
Protein change: p.Arg1429Trp; replaces arginine 1429 with tryptophan.
Molecular consequence: missense variant.
Genome position (GRCh38, 1-based): chr22:25,878,019, C>T. VCF-style: chr22-25878019-C-T. GRCh37 (hg19) VCF-style: chr22-26273986-C-T.
Other names: c.4288C>T, p.Arg1430Trp (NM_001318245.2); short protein forms R1429W, R1430W.
Identifiers: ClinVar variation 2061124 (VCV002061124.2), dbSNP rs545511205, ClinGen allele CA10160826.
Genomic context (GRCh38, chr22:25,878,019, plus strand): 5'-GAGGAGCTTACAACGCTAAGACGGAAGCTAGAAAAATCAGAGAAGTTGCGGAATGAACTC[C>T]GGCAGAACACAGATCTGCTAGAAAGCAAGGTATCCCCATCCCTCCTCTTGGGTCCTTGTG-3'
Protein context (NP_115997.5, residues 1419-1439): EKSEKLRNEL[Arg1429Trp]QNTDLLESKI